The following is an entry in ClinVar:

ClinVar aggregate classification (germline): Conflicting classifications of pathogenicity. Review status: criteria provided, conflicting classifications (1 of 4 stars). 2 submissions from 2 submitters: Uncertain significance (1); Likely benign (1). Last evaluated 2025-04-14.

Conditions:
Neuroblastoma, susceptibility to, 3. Also called: ALK-Related Neuroblastic Tumor Susceptibility. Identifiers: Orphanet 635, MedGen C2751681, MONDO:0013083, OMIM 613014.
Hereditary cancer-predisposing syndrome. Also called: Neoplastic Syndromes, Hereditary; Hereditary neoplastic syndrome; Tumor predisposition; Hereditary Cancer Syndrome. Identifiers: Orphanet 140162, MedGen C0027672, MeSH D009386, MONDO:0015356.

Submissions (2):

Ambry Genetics
Classification: Likely benign for Hereditary cancer-predisposing syndrome. Last evaluated: 2025-04-14. Review status: criteria provided, single submitter. Criteria: Ambry Variant Classification Scheme 2023. Collection method: clinical testing. Allele origin: germline.

Labcorp Genetics (formerly Invitae), Labcorp
Classification: Uncertain significance for Neuroblastoma, susceptibility to, 3. Last evaluated: 2022-03-18. Review status: criteria provided, single submitter. Criteria: Invitae Variant Classification Sherloc (09022015). Collection method: clinical testing. Allele origin: germline.
Comment: This sequence change creates a premature translational stop signal (p.Trp814*) in the ALK gene. It is expected to result in an absent or disrupted protein product. However, the current clinical and genetic evidence is not sufficient to establish whether loss-of-function variants in ALK cause disease. This variant is not present in population databases (gnomAD no frequency). This variant has not been reported in the literature in individuals affected with ALK-related conditions. Algorithms developed to predict the effect of sequence changes on RNA splicing suggest that this variant may create or strengthen a splice site. In summary, the available evidence is currently insufficient to determine the role of this variant in disease. Therefore, it has been classified as a Variant of Uncertain Significance.

NM_004304.5(ALK):c.2442G>A (p.Trp814Ter)

Gene: ALK (ALK receptor tyrosine kinase; minus strand). Cytogenetic location: 2p23.2.
Variant type: single nucleotide variant.
Coding change: c.2442G>A on transcript NM_004304.5 (MANE Select); coding-DNA position 2442, G replaced by A.
Protein change: p.Trp814Ter; replaces tryptophan 814 with a stop codon.
Molecular consequence: nonsense.
Genome position (GRCh38, 1-based): chr2:29,233,610, C>T on the plus strand (G>A on the coding strand, the complement: ALK is on the minus strand). VCF-style: chr2-29233610-C-T. GRCh37 (hg19) VCF-style: chr2-29456476-C-T.
Other names: c.2442G>A (NM_004304.4); short protein forms W814*.
Identifiers: ClinVar variation 1933629 (VCV001933629.6), dbSNP rs2148184506, ClinGen allele CA346472200.
Genomic context (GRCh38, chr2:29,233,610, plus strand): 5'-CAGCACACACCATACCTTAAATACGTAGGTGGCTCCACCCCCTCCTCCTCCGCCTCCTGC[C>T]CACTCATGCACGCTTCTGTTCACACGGATTTCTTCTTCTATCACATTGTTCTCTCCAATG-3'